The following is an entry in ClinVar:

ClinVar aggregate classification (germline): Likely pathogenic (1 of 4 stars; one submission).

Conditions:
Autosomal recessive polycystic kidney disease (ARPKD). Also called: AR polycystic kidney disease. Identifiers: Orphanet 731, Orphanet 8378, MedGen C0085548, MeSH D017044, MONDO:0009889.

Submission:

Natera, Inc.
Classification: Likely pathogenic for Autosomal recessive polycystic kidney disease. Last evaluated: 2024-10-29. Review status: criteria provided, single submitter. Criteria: Natera Variant Classification Schema (03/2026). Collection method: clinical testing. Allele origin: germline.
Comment: The c.9023_9024delAT variant in PKHD1 is a frameshift variant predicted to shift the reading frame beginning at codon 3008 and leads to a stop codon 32 codons downstream. This variant is expected to result in nonsense mediated decay, truncation, or a dysfunctional protein product. This variant is rare in the general population with a frequency below the threshold expected for the associated phenotype(s). Given the available evidence, this variant is classified as Likely Pathogenic.

NM_138694.4(PKHD1):c.9023_9024del (p.Asn3008fs)

Gene: PKHD1 (PKHD1 ciliary IPT domain containing fibrocystin/polyductin; minus strand). Cytogenetic location: 6p12.3.
Variant type: Deletion.
Coding change: c.9023_9024del on transcript NM_138694.4 (MANE Select); coding-DNA positions 9023 to 9024, 2 bases deleted (AT; older notation c.9023_9024delAT).
Protein change: p.Asn3008fs; shifts the reading frame from asparagine 3008.
Molecular consequence: frameshift variant.
Genome position (GRCh38, 1-based): chr6:51,748,592-51,748,593, AT deleted on the plus strand (AT on the coding strand, the reverse complement: PKHD1 is on the minus strand). VCF-style (leftmost placement, unchanged base first): chr6-51748591-CAT-C. GRCh37 (hg19) VCF-style: chr6-51613389-CAT-C.
Other names: c.9023_9024del, p.Asn3008fs (NM_170724.3); short protein forms N3008fs.
Identifiers: ClinVar variation 4816789 (VCV004816789.1).